The following is an entry in ClinVar:

NM_006904.7(PRKDC):c.1335T>G (p.Ser445Arg)

Gene: PRKDC (protein kinase, DNA-activated, catalytic subunit; minus strand). Cytogenetic location: 8q11.21.
Variant type: single nucleotide variant.
Coding change: c.1335T>G on transcript NM_006904.7 (MANE Select); coding-DNA position 1335, T replaced by G.
Protein change: p.Ser445Arg; replaces serine 445 with arginine.
Molecular consequence: missense variant.
Genome position (GRCh38, 1-based): chr8:47,935,844, A>C on the plus strand (T>G on the coding strand, the complement: PRKDC is on the minus strand). VCF-style: chr8-47935844-A-C. GRCh37 (hg19) VCF-style: chr8-48848404-A-C.
Other names: c.1335T>G, p.Ser445Arg (NM_001081640.2); short protein forms S445R.
Identifiers: ClinVar variation 2564558 (VCV002564558.2), dbSNP rs2551879558, ClinGen allele CA371165897.

ClinVar aggregate classification (germline): Uncertain significance (1 of 4 stars; one submission).

Submission:

Ambry Genetics
Classification: Uncertain significance. Last evaluated: 2023-05-21. Review status: criteria provided, single submitter. Criteria: Ambry Variant Classification Scheme 2023. Collection method: clinical testing. Allele origin: germline.
Comment: The p.S445R variant (also known as c.1335T>G), located in coding exon 13 of the PRKDC gene, results from a T to G substitution at nucleotide position 1335. The serine at codon 445 is replaced by arginine, an amino acid with dissimilar properties. This amino acid position is conserved. In addition, this alteration is predicted to be tolerated by in silico analysis. Since supporting evidence is limited at this time, the clinical significance of this alteration remains unclear.